The following is an entry in ClinVar:

NM_004006.3(DMD):c.8669-16C>G

Gene: DMD (dystrophin; minus strand). Cytogenetic location: Xp21.2.
Variant type: single nucleotide variant.
Coding change: c.8669-16C>G on transcript NM_004006.3 (MANE Select); 16 bases into the intron before coding-DNA position 8669, C replaced by G.
Molecular consequence: intron variant.
Genome position (GRCh38, 1-based): chrX:31,478,390, G>C on the plus strand (C>G on the coding strand, the complement: DMD is on the minus strand). VCF-style: chrX-31478390-G-C. GRCh37 (hg19) VCF-style: chrX-31496507-G-C.
Other names: c.8645-16C>G (NM_000109.4); c.4646-16C>G (NM_004011.4); c.4637-16C>G (NM_004012.4); c.1289-16C>G (NM_004023.3, NM_004020.4, NM_004022.3 and 2 more transcripts); c.482-16C>G (NM_004014.3); c.8657-16C>G (NM_004009.3); c.8300-16C>G (NM_004010.3).
Identifiers: ClinVar variation 2902145 (VCV002902145.3), dbSNP rs200459686, ClinGen allele CA2579578896.
Genomic context (GRCh38, chrX:31,478,390, plus strand): 5'-GTAGAAGCCGAGTGACATTCTGGGCTCTCTCCTCAGGAGGCAGCTCTAAATTGGCAATAT[G>C]ACAAGGTTTTAGGCCACATTCTTTTTTTTTAAACATTGTCAAAAAGGTCATACTGGAAGA-3'

ClinVar aggregate classification (germline): Uncertain significance (1 of 4 stars; one submission).

Conditions:
Duchenne muscular dystrophy (DMD). Also called: MUSCULAR DYSTROPHY, PSEUDOHYPERTROPHIC PROGRESSIVE, DUCHENNE TYPE; Duchenne Muscular Dystrophy (DMD). Identifiers: Orphanet 98896, MedGen C0013264, MONDO:0010679, OMIM 310200.

Submission:

Labcorp Genetics (formerly Invitae), Labcorp
Classification: Uncertain significance for Duchenne muscular dystrophy. Last evaluated: 2025-03-05. Review status: criteria provided, single submitter. Criteria: Invitae Variant Classification Sherloc (09022015). Collection method: clinical testing. Allele origin: germline.
Comment: This sequence change falls in intron 58 of the DMD gene. It does not directly change the encoded amino acid sequence of the DMD protein. This variant is not present in population databases (gnomAD no frequency). This variant has not been reported in the literature in individuals affected with DMD-related conditions. ClinVar contains an entry for this variant (Variation ID: 2902145). Algorithms developed to predict the effect of sequence changes on RNA splicing suggest that this variant may disrupt the consensus splice site. In summary, the available evidence is currently insufficient to determine the role of this variant in disease. Therefore, it has been classified as a Variant of Uncertain Significance.